The following is an entry in ClinVar:

NM_000038.6(APC):c.3207G>T (p.Arg1069Ser)

Gene: APC (APC regulator of Wnt signaling pathway; plus strand). Cytogenetic location: 5q22.2.
Variant type: single nucleotide variant.
Coding change: c.3207G>T on transcript NM_000038.6 (MANE Select); coding-DNA position 3207, G replaced by T.
Protein change: p.Arg1069Ser; replaces arginine 1069 with serine.
Molecular consequence: missense variant.
Genome position (GRCh38, 1-based): chr5:112,838,801, G>T. VCF-style: chr5-112838801-G-T. GRCh37 (hg19) VCF-style: chr5-112174498-G-T.
Other names: c.3207G>T, p.Arg1069Ser (NM_001127510.3, NM_001354895.2); c.3153G>T, p.Arg1051Ser (NM_001127511.3); c.3261G>T, p.Arg1087Ser (NM_001354896.2); c.3237G>T, p.Arg1079Ser (NM_001354897.2); c.3132G>T, p.Arg1044Ser (NM_001354898.2); c.3123G>T, p.Arg1041Ser (NM_001354899.2); c.3084G>T, p.Arg1028Ser (NM_001354900.2); c.3030G>T, p.Arg1010Ser (NM_001354901.2); and 5 more; short protein forms R1051S, R1069S, R1087S, R909S, R968S, R1028S, R1041S, R1079S.
Identifiers: ClinVar variation 575907 (VCV000575907.17), dbSNP rs762867687, ClinGen allele CA16028368.

ClinVar aggregate classification (germline): Uncertain significance. Review status: criteria provided, multiple submitters, no conflicts (2 of 4 stars). 4 submissions from 4 submitters: Uncertain significance (4). Last evaluated 2025-09-08.

Conditions:
Hereditary cancer-predisposing syndrome. Also called: Tumor predisposition; Hereditary neoplastic syndrome; Hereditary Cancer Syndrome; Neoplastic Syndromes, Hereditary. Identifiers: Orphanet 140162, MedGen C0027672, MeSH D009386, MONDO:0015356.
Familial adenomatous polyposis 1 (FAP1). Also called: POLYPOSIS, ADENOMATOUS INTESTINAL; FAMILIAL ADENOMATOUS POLYPOSIS 1, ATTENUATED. Identifiers: MedGen C2713442, MONDO:0021056, OMIM 175100. Disease mechanism: loss of function.

gnomAD v4.1: 1 of 1,614,082 alleles (0.000062%); highest among the groups gnomAD compares: Non-Finnish European, 0.000085%; no homozygotes.

Submissions (4):

Ambry Genetics
Classification: Uncertain significance for Hereditary cancer-predisposing syndrome. Last evaluated: 2025-09-08. Review status: criteria provided, single submitter. Criteria: Ambry Variant Classification Scheme 2023. Collection method: clinical testing. Allele origin: germline.
Comment: The p.R1069S variant (also known as c.3207G>T), located in coding exon 15 of the APC gene, results from a G to T substitution at nucleotide position 3207. The arginine at codon 1069 is replaced by serine, an amino acid with dissimilar properties. This amino acid position is highly conserved in available vertebrate species. In addition, in silico predictors for this gene do not accurately predict pathogenicity. Missense alterations in APC are not a common cause of disease (Spier I et al. Genet Med. 2024 Feb;26(2):100992). Based on the available evidence, the clinical significance of this variant remains unclear.

Center for Genomic Medicine, Rigshospitalet, Copenhagen University Hospital
Classification: Uncertain significance. Last evaluated: 2025-03-04. Review status: criteria provided, single submitter. Criteria: ACMG Guidelines, 2015. Collection method: clinical testing. Allele origin: germline.

Labcorp Genetics (formerly Invitae), Labcorp
Classification: Uncertain significance for Familial adenomatous polyposis 1. Last evaluated: 2024-08-31. Review status: criteria provided, single submitter. Criteria: Invitae Variant Classification Sherloc (09022015). Collection method: clinical testing. Allele origin: germline.
Comment: This sequence change replaces arginine, which is basic and polar, with serine, which is neutral and polar, at codon 1069 of the APC protein (p.Arg1069Ser). This variant is not present in population databases (gnomAD no frequency). This variant has not been reported in the literature in individuals affected with APC-related conditions. ClinVar contains an entry for this variant (Variation ID: 575907). Invitae Evidence Modeling of protein sequence and biophysical properties (such as structural, functional, and spatial information, amino acid conservation, physicochemical variation, residue mobility, and thermodynamic stability) indicates that this missense variant is not expected to disrupt APC protein function with a negative predictive value of 95%. In summary, the available evidence is currently insufficient to determine the role of this variant in disease. Therefore, it has been classified as a Variant of Uncertain Significance.

GeneDx
Classification: Uncertain significance. Last evaluated: 2022-12-28. Review status: criteria provided, single submitter. Criteria: GeneDx Variant Classification Process June 2021. Collection method: clinical testing. Allele origin: germline. Affected: yes.
Comment: Not observed at significant frequency in large population cohorts (gnomAD); In silico analysis supports that this missense variant does not alter protein structure/function; Has not been previously published as pathogenic or benign to our knowledge; This variant is associated with the following publications: (PMID: 32277576, 18199528, 26647728)